The following is an entry in ClinVar:

NM_002485.5(NBN):c.1914+5G>A

Genes: NBN (nibrin; minus strand), LOC126860438 (MED14-independent group 3 enhancer GRCh37_chr8:90959982-90961181; plus strand). Cytogenetic location: 8q21.3.
Variant type: single nucleotide variant.
Coding change: c.1914+5G>A on transcript NM_002485.5 (MANE Select); 5 bases into the intron after coding-DNA position 1914, G replaced by A.
Molecular consequence: intron variant.
Genome position (GRCh38, 1-based): chr8:89,947,819, C>T on the plus strand (G>A on the coding strand, the complement: NBN is on the minus strand). VCF-style: chr8-89947819-C-T. GRCh37 (hg19) VCF-style: chr8-90960047-C-T.
Other names: c.1668+5G>A (NM_001024688.3).
Identifiers: ClinVar variation 649345 (VCV000649345.11), dbSNP rs1586043509, ClinGen allele CA915945764.

ClinVar aggregate classification (germline): Uncertain significance. Review status: criteria provided, single submitter (1 of 4 stars). 2 submissions from 2 submitters: Uncertain significance (1). 1 of the submissions does not count toward it. Last evaluated 2023-01-25.

Conditions:
Microcephaly, normal intelligence and immunodeficiency (NBS). Also called: BERLIN BREAKAGE SYNDROME; Nijmegen breakage syndrome; Microcephaly with normal intelligence immunodeficiency and lymphoreticular malignancies; Nonsyndromal microcephaly autosomal recessive with normal intelligence; Seemanova syndrome 2; SEEMANOVA SYNDROME II. Identifiers: Orphanet 647, MedGen C0398791, MONDO:0009623, OMIM 251260.

Submissions (2):

Labcorp Genetics (formerly Invitae), Labcorp
Classification: Uncertain significance for Microcephaly, normal intelligence and immunodeficiency. Last evaluated: 2023-01-25. Review status: criteria provided, single submitter. Criteria: Invitae Variant Classification Sherloc (09022015). Collection method: clinical testing. Allele origin: germline.
Comment: In summary, the available evidence is currently insufficient to determine the role of this variant in disease. Therefore, it has been classified as a Variant of Uncertain Significance. Variants that disrupt the consensus splice site are a relatively common cause of aberrant splicing (PMID: 17576681, 9536098). Algorithms developed to predict the effect of sequence changes on RNA splicing suggest that this variant may disrupt the consensus splice site. ClinVar contains an entry for this variant (Variation ID: 649345). This variant has not been reported in the literature in individuals affected with NBN-related conditions. This variant is not present in population databases (gnomAD no frequency). This sequence change falls in intron 12 of the NBN gene. It does not directly change the encoded amino acid sequence of the NBN protein. It affects a nucleotide within the consensus splice site.

Natera, Inc.
Classification: Uncertain significance for Nijmegen breakage syndrome. Last evaluated: 2021-05-27. Review status: no assertion criteria provided. Collection method: clinical testing. Allele origin: germline. Not counted in ClinVar's aggregate classification.

Literature cited by the submitters: PubMed 17576681 (cited by Labcorp Genetics (formerly Invitae), Labcorp); PubMed 9536098 (cited by Labcorp Genetics (formerly Invitae), Labcorp).